The following is an entry in ClinVar:

ClinVar aggregate classification (germline): Uncertain significance (1 of 4 stars; one submission).

Conditions:
Townes-Brocks syndrome 2 (TBS2). Identifiers: MedGen C4479534, MONDO:0054582, OMIM 617466.

Allele frequency attached by ClinVar (database versions not stated): TOPMed below 0.00001.

Submission:

MGZ Medical Genetics Center
Classification: Uncertain significance for Townes-Brocks syndrome 2. Last evaluated: 2022-04-28. Review status: criteria provided, single submitter. Criteria: ACMG Guidelines, 2015. Collection method: clinical testing. Allele origin: germline. Affected: yes. Observed: 1 variant allele.
Comment: ACMG criteria applied: PM2_SUP, BP4

NM_001079520.2(DACT1):c.2122G>A (p.Glu708Lys)

Gene: DACT1 (dishevelled binding antagonist of beta catenin 1; plus strand). Cytogenetic location: 14q23.1.
Variant type: single nucleotide variant.
Coding change: c.2122G>A on transcript NM_001079520.2 (MANE Select); coding-DNA position 2122, G replaced by A.
Protein change: p.Glu708Lys; replaces glutamic acid 708 with lysine.
Molecular consequence: missense variant. On other transcripts: non-coding transcript variant (5).
Genome position (GRCh38, 1-based): chr14:58,646,856, G>A. VCF-style: chr14-58646856-G-A. GRCh37 (hg19) VCF-style: chr14-59113574-G-A.
Other names: c.2233G>A, p.Glu745Lys (NM_016651.6); short protein forms E708K, E745K.
Identifiers: ClinVar variation 1709329 (VCV001709329.2), dbSNP rs1285883896, ClinGen allele CA389871308.